The following is an entry in ClinVar:

NM_152713.5(STT3A):c.83T>C (p.Val28Ala)

Gene: STT3A (STT3 oligosaccharyltransferase complex catalytic subunit A; plus strand). Cytogenetic location: 11q24.2.
Variant type: single nucleotide variant.
Coding change: c.83T>C on transcript NM_152713.5 (MANE Select); coding-DNA position 83, T replaced by C.
Protein change: p.Val28Ala; replaces valine 28 with alanine.
Molecular consequence: missense variant. On other transcripts: intron variant (1).
Genome position (GRCh38, 1-based): chr11:125,595,998, T>C. VCF-style: chr11-125595998-T-C. GRCh37 (hg19) VCF-style: chr11-125465893-T-C.
Other names: c.83T>C, p.Val28Ala (NM_001278503.2); c.-188-1061T>C (NM_001278504.2); short protein forms V28A.
Identifiers: ClinVar variation 1011032 (VCV001011032.9), dbSNP rs1200511204, ClinGen allele CA383180977.

ClinVar aggregate classification (germline): Uncertain significance (1 of 4 stars; one submission).

Allele frequency attached by ClinVar (database versions not stated): TOPMed below 0.00001; gnomAD 0.00001.
gnomAD v4.1: 2 of 1,611,694 alleles (0.00012%); highest among the groups gnomAD compares: African/African-American, 0.0013%; no homozygotes.

Submission:

Labcorp Genetics (formerly Invitae), Labcorp
Classification: Uncertain significance. Last evaluated: 2024-11-27. Review status: criteria provided, single submitter. Criteria: Invitae Variant Classification Sherloc (09022015). Collection method: clinical testing. Allele origin: germline.
Comment: This sequence change replaces valine, which is neutral and non-polar, with alanine, which is neutral and non-polar, at codon 28 of the STT3A protein (p.Val28Ala). This variant is present in population databases (no rsID available, gnomAD 0.01%). This variant has not been reported in the literature in individuals affected with STT3A-related conditions. ClinVar contains an entry for this variant (Variation ID: 1011032). Invitae Evidence Modeling of protein sequence and biophysical properties (such as structural, functional, and spatial information, amino acid conservation, physicochemical variation, residue mobility, and thermodynamic stability) indicates that this missense variant is not expected to disrupt STT3A protein function with a negative predictive value of 80%. In summary, the available evidence is currently insufficient to determine the role of this variant in disease. Therefore, it has been classified as a Variant of Uncertain Significance.